The following is an entry in ClinVar:

ClinVar aggregate classification (germline): Likely benign. Review status: criteria provided, multiple submitters, no conflicts (2 of 4 stars). 5 submissions from 5 submitters: Likely benign (5). Last evaluated 2026-03-15.

Conditions:
Dilated cardiomyopathy 1G (CMD1G). Identifiers: Orphanet 154, MedGen C1858763, MONDO:0011400, OMIM 604145.
Autosomal recessive limb-girdle muscular dystrophy type 2J (LGMDR10). Also called: Limb-girdle muscular dystrophy, type 2J; MUSCULAR DYSTROPHY, LIMB-GIRDLE, AUTOSOMAL RECESSIVE 10. Identifiers: Orphanet 140922, MedGen C1837342, MONDO:0012127, OMIM 608807.
Cardiovascular phenotype. Identifiers: MedGen CN230736.
Cardiomyopathy (CMYO). Also called: Cardiomyopathies. Identifiers: Orphanet 167848, MedGen C0878544, MONDO:0004994, HP:0001638. Inheritance: Various modes of inheritance.

Allele frequency attached by ClinVar (database versions not stated): gnomAD exomes 0.00001 and 0.00003; 1000 Genomes Project 0.00040; ExAC 0.00007; ESP Exome Variant Server 0.00015; gnomAD 0.00017; TOPMed 0.00020; 1000 Genomes Project 30x 0.00031.
gnomAD v4.1: 42 of 1,614,114 alleles (0.0026%); highest among the groups gnomAD compares: African/African-American, 0.053%; no homozygotes.

Submissions (5):

Women's Health and Genetics/Laboratory Corporation of America, LabCorp
Classification: Likely benign. Last evaluated: 2026-03-15. Review status: criteria provided, single submitter. Criteria: LabCorp Variant Classification Summary - May 2015. Collection method: clinical testing. Allele origin: germline.

Labcorp Genetics (formerly Invitae), Labcorp
Classification: Likely benign for Dilated cardiomyopathy 1G; Autosomal recessive limb-girdle muscular dystrophy type 2J. Last evaluated: 2025-11-26. Review status: criteria provided, single submitter. Criteria: Invitae Variant Classification Sherloc (09022015). Collection method: clinical testing. Allele origin: germline.

Molecular Diagnostic Laboratory for Inherited Cardiovascular Disease, Montreal Heart Institute
Classification: Likely benign. Last evaluated: 2025-04-09. Review status: criteria provided, single submitter. Criteria: ACMG Guidelines, 2015. Collection method: clinical testing. Allele origin: germline. Affected: no.
Comment: BP7

Ambry Genetics
Classification: Likely benign for Cardiovascular phenotype. Last evaluated: 2016-11-03. Review status: criteria provided, single submitter. Criteria: Ambry Variant Classification Scheme 2023. Collection method: clinical testing. Allele origin: germline.

CHEO Genetics Diagnostic Laboratory, Children's Hospital of Eastern Ontario
Classification: Likely benign for Cardiomyopathy. Last evaluated: 2016-07-27. Review status: criteria provided, single submitter. Criteria: ACMG Guidelines, 2015. Collection method: clinical testing. Allele origin: germline. Study: Canadian Open Genetics Repository.

NM_001267550.2(TTN):c.5895T>C (p.Asp1965=)

Gene: TTN (titin; minus strand). Cytogenetic location: 2q31.2.
Variant type: single nucleotide variant.
Coding change: c.5895T>C on transcript NM_001267550.2 (MANE Select); coding-DNA position 5895, T replaced by C.
Protein change: p.Asp1965=; no amino-acid change (aspartic acid 1965 retained).
Molecular consequence: synonymous variant.
Genome position (GRCh38, 1-based): chr2:178,775,969, A>G on the plus strand (T>C on the coding strand, the complement: TTN is on the minus strand). VCF-style: chr2-178775969-A-G. GRCh37 (hg19) VCF-style: chr2-179640696-A-G.
Other names: c.5895T>C, p.Asp1965= (NM_001256850.1, NM_133378.4, NM_133379.5); c.5757T>C, p.Asp1919= (NM_003319.4, NM_133432.3, NM_133437.4).
Identifiers: ClinVar variation 518583 (VCV000518583.19), dbSNP rs186005100, ClinGen allele CA2005126.